The following is an entry in ClinVar:

ClinVar aggregate classification (germline): Conflicting classifications of pathogenicity. Review status: criteria provided, conflicting classifications (1 of 4 stars). 11 submissions from 10 submitters: Uncertain significance (1); Benign (1); Likely benign (7). 2 of the submissions do not count toward it. Last evaluated 2025-12-31.

Conditions:
MYH9-related disorder. Identifiers: MedGen C1854520.
Macrothrombocytopenia and granulocyte inclusions with or without nephritis or sensorineural hearing loss (MATINS). Also called: MYH9-Related Disease (MYH9-RD); BLEEDING DISORDER, PLATELET-TYPE, 6; MACROTHROMBOCYTOPENIA WITH LEUKOCYTE INCLUSIONS; MAY-HEGGLIN ANOMALY; DOHLE LEUKOCYTE INCLUSIONS WITH GIANT PLATELETS; MACROTHROMBOCYTOPENIA WITH DISPERSED LEUKOCYTIC INCLUSIONS. Identifiers: Orphanet 182050, MedGen C5200934, MONDO:0015912, OMIM 155100.
Autosomal dominant nonsyndromic hearing loss 17. Also called: Autosomal dominant nonsyndromic deafness 17; Deafness, autosomal dominant 17. Identifiers: Orphanet 90635, MedGen C1863659, MONDO:0011350, OMIM 603622.

Allele frequency attached by ClinVar (database versions not stated): 1000 Genomes Project 30x 0.00016; 1000 Genomes Project 0.00020; gnomAD 0.00062 and 0.00066; TOPMed 0.00063; gnomAD exomes 0.00074 and 0.00100; ExAC 0.00089; ESP Exome Variant Server 0.00108.
gnomAD v4.1: 1,525 of 1,613,440 alleles (0.095%); highest among the groups gnomAD compares: Non-Finnish European, 0.12%; 3 homozygotes.

Submissions (11):

Labcorp Genetics (formerly Invitae), Labcorp
Classification: Likely benign. Last evaluated: 2025-12-31. Review status: criteria provided, single submitter. Criteria: Invitae Variant Classification Sherloc (09022015). Collection method: clinical testing. Allele origin: germline.

Mayo Clinic Laboratories, Mayo Clinic
Classification: Likely benign. Last evaluated: 2025-10-06. Review status: criteria provided, single submitter. Criteria: ACMG Guidelines, 2015. Collection method: clinical testing. Allele origin: germline. Observed: 2 variant alleles.
Comment: BS1, BS2, BP5, PP2

CeGaT Center for Human Genetics Tuebingen
Classification: Likely benign. Last evaluated: 2025-08-01. Review status: criteria provided, single submitter. Criteria: CeGaT Center For Human Genetics Tuebingen Variant Classification Criteria Version 2. Collection method: clinical testing. Allele origin: germline. Affected: yes. Observed: 2 variant alleles.
Comment: MYH9: BS1

Blueprint Genetics
Classification: Likely benign. Last evaluated: 2024-11-17. Review status: criteria provided, single submitter. Criteria: ACMG Guidelines, 2015. Collection method: clinical testing. Allele origin: germline.

GeneDx
Classification: Likely benign. Last evaluated: 2021-03-24. Review status: criteria provided, single submitter. Criteria: GeneDx Variant Classification Process June 2021. Collection method: clinical testing. Allele origin: germline. Affected: yes.
Comment: This variant is associated with the following publications: (PMID: 29090586, 30349881, 29958610)

Illumina Laboratory Services, Illumina
Classification: Likely benign for Autosomal dominant nonsyndromic hearing loss 17. Last evaluated: 2018-01-13. Review status: criteria provided, single submitter. Criteria: ICSL Variant Classification Criteria 13 December 2019. Collection method: clinical testing. Allele origin: germline.
Comment: This variant was observed in the ICSL laboratory as part of a predisposition screen in an ostensibly healthy population. It had not been previously curated by ICSL or reported in the Human Gene Mutation Database (HGMD: prior to June 1st, 2018), and was therefore a candidate for classification through an automated scoring system. Utilizing variant allele frequency, disease prevalence and penetrance estimates, and inheritance mode, an automated score was calculated to assess if this variant is too frequent to cause the disease. Based on the score and internal cut-off values, a variant classified as likely benign is not then subjected to further curation. The score for this variant resulted in a classification of likely benign for this disease.

Illumina Laboratory Services, Illumina
Classification: Benign for MYH9-related disorder. Last evaluated: 2018-01-13. Review status: criteria provided, single submitter. Criteria: ICSL Variant Classification Criteria 13 December 2019. Collection method: clinical testing. Allele origin: germline.
Comment: This variant was observed in the ICSL laboratory as part of a predisposition screen in an ostensibly healthy population. It had not been previously curated by ICSL or reported in the Human Gene Mutation Database (HGMD: prior to June 1st, 2018), and was therefore a candidate for classification through an automated scoring system. Utilizing variant allele frequency, disease prevalence and penetrance estimates, and inheritance mode, an automated score was calculated to assess if this variant is too frequent to cause the disease. Based on the score and internal cut-off values, a variant classified as benign is not then subjected to further curation. The score for this variant resulted in a classification of benign for this disease.

Eurofins Ntd Llc (ga)
Classification: Uncertain significance. Last evaluated: 2017-01-05. Review status: criteria provided, single submitter. Criteria: EGL Classification Definitions 2015. Collection method: clinical testing. Allele origin: germline. Observed: 1 variant allele, 1 heterozygote.

Laboratory for Molecular Medicine, Mass General Brigham Personalized Medicine
Classification: Likely benign. Last evaluated: 2015-05-05. Review status: criteria provided, single submitter. Criteria: LMM Criteria. Collection method: clinical testing. Allele origin: germline. Observed: 10 variant alleles.
Comment: p.Ala958Thr in exon 23 of MYH9: This variant is not expected to have clinical s ignificance because it has been identified in 0.2% (102/66426) of European chrom osomes by the Exome Aggregation Consortium (ExAC ; dbSNP rs151036570). In addition, this variant has been previously identified by our laboratory in two individuals with hearing loss that could be explained b y pathogenic variants in other genes, as well as in an unaffected parent.

PreventionGenetics, part of Exact Sciences
Classification: Likely benign for MYH9-related condition. Last evaluated: 2022-12-15. Review status: no assertion criteria provided. Collection method: clinical testing. Allele origin: germline. Not counted in ClinVar's aggregate classification.
Comment: This variant is classified as likely benign based on ACMG/AMP sequence variant interpretation guidelines (Richards et al. 2015 PMID: 25741868, with internal and published modifications).

ISTH-SSC Genomics in Thrombosis and Hemostasis, KU Leuven, Center for Molecular and Vascular Biology
Classification: Uncertain significance for Macrothrombocytopenia and granulocyte inclusions with or without nephritis or sensorineural hearing loss. Review status: no assertion criteria provided. Collection method: research. Allele origin: unknown. Affected: yes. Not counted in ClinVar's aggregate classification.
Comment: Submitted to GoldVariant by Neil Morgan from Birmingham Platelet Group, Birmingham, UK

Literature cited by the submitters: PubMed 29090586 (cited by Mayo Clinic Laboratories, Mayo Clinic); PubMed 29958610 (cited by Mayo Clinic Laboratories, Mayo Clinic); PubMed 30349881 (cited by Mayo Clinic Laboratories, Mayo Clinic).

NM_002473.6(MYH9):c.2872G>A (p.Ala958Thr)

Genes: MYH9 (myosin heavy chain 9; minus strand), LOC126863137 (CDK7 strongly-dependent group 2 enhancer GRCh37_chr22:36696002-36697201; plus strand). Cytogenetic location: 22q12.3.
Variant type: single nucleotide variant.
Coding change: c.2872G>A on transcript NM_002473.6 (MANE Select); coding-DNA position 2872, G replaced by A.
Protein change: p.Ala958Thr; replaces alanine 958 with threonine.
Molecular consequence: missense variant.
Genome position (GRCh38, 1-based): chr22:36,300,231, C>T on the plus strand (G>A on the coding strand, the complement: MYH9 is on the minus strand). VCF-style: chr22-36300231-C-T. GRCh37 (hg19) VCF-style: chr22-36696277-C-T.
Other names: short protein forms A958T.
Identifiers: ClinVar variation 164446 (VCV000164446.49), dbSNP rs151036570, ClinGen allele CA177111.